The following is an entry in ClinVar:

ClinVar aggregate classification (germline): Uncertain significance (1 of 4 stars; one submission).

Conditions:
Pyridoxine-dependent epilepsy (EPEO4). Also called: Pyridoxine-Dependent Epilepsy - ALDH7A1; PYRIDOXINE DEPENDENCY WITH SEIZURES; EPILEPSY, EARLY-ONSET, 4, VITAMIN B6-DEPENDENT; Pyridoxine-Dependent Seizures. Identifiers: Orphanet 3006, MedGen C1849508, MONDO:0009945, OMIM 266100. Disease mechanism: loss of function.

gnomAD v4.1: 8 of 1,552,406 alleles (0.00052%); highest among the groups gnomAD compares: East Asian, 0.015%; no homozygotes.

Submission:

Labcorp Genetics (formerly Invitae), Labcorp
Classification: Uncertain significance for Pyridoxine-dependent epilepsy. Last evaluated: 2021-08-31. Review status: criteria provided, single submitter. Criteria: Invitae Variant Classification Sherloc (09022015). Collection method: clinical testing. Allele origin: germline.
Comment: This sequence change replaces arginine with serine at codon 6 of the ALDH7A1 protein (p.Arg6Ser). The arginine residue is weakly conserved and there is a moderate physicochemical difference between arginine and serine. This variant is not present in population databases (ExAC no frequency). This variant has not been reported in the literature in individuals affected with ALDH7A1-related conditions. Advanced modeling of protein sequence and biophysical properties (such as structural, functional, and spatial information, amino acid conservation, physicochemical variation, residue mobility, and thermodynamic stability) performed at Invitae indicates that this missense variant is not expected to disrupt ALDH7A1 protein function. Algorithms developed to predict the effect of sequence changes on RNA splicing suggest that this variant may create or strengthen a splice site. In summary, the available evidence is currently insufficient to determine the role of this variant in disease. Therefore, it has been classified as a Variant of Uncertain Significance.

NM_001182.5(ALDH7A1):c.16C>A (p.Arg6Ser)

Gene: ALDH7A1 (aldehyde dehydrogenase 7 family member A1; minus strand). Cytogenetic location: 5q23.2.
Variant type: single nucleotide variant.
Coding change: c.16C>A on transcript NM_001182.5 (MANE Select); coding-DNA position 16, C replaced by A.
Protein change: p.Arg6Ser; replaces arginine 6 with serine.
Molecular consequence: missense variant. On other transcripts: 5 prime UTR variant (1).
Genome position (GRCh38, 1-based): chr5:126,595,183, G>T on the plus strand (C>A on the coding strand, the complement: ALDH7A1 is on the minus strand). VCF-style: chr5-126595183-G-T. GRCh37 (hg19) VCF-style: chr5-125930875-G-T.
Other names: c.-69C>A (NM_001201377.2); c.16C>A, p.Arg6Ser (NM_001202404.2); short protein forms R6S.
Identifiers: ClinVar variation 1439778 (VCV001439778.5), dbSNP rs781779462, ClinGen allele CA360734015.